The following is an entry in ClinVar:

ClinVar aggregate classification (germline): Pathogenic (1 of 4 stars; one submission).

Conditions:
Retinoblastoma (RB1). Also called: RETINOBLASTOMA, SOMATIC. Identifiers: Orphanet 790, MedGen C0035335, MeSH D012175, MONDO:0008380, OMIM 180200, HP:0009919. Disease mechanism: loss of function. Inheritance: Both sporadic and heritable forms are tested..

Submission:

Labcorp Genetics (formerly Invitae), Labcorp
Classification: Pathogenic for Retinoblastoma. Last evaluated: 2024-08-28. Review status: criteria provided, single submitter. Criteria: Invitae Variant Classification Sherloc (09022015). Collection method: clinical testing. Allele origin: germline.
Comment: This sequence change creates a premature translational stop signal (p.Ser163Thrfs*12) in the RB1 gene. It is expected to result in an absent or disrupted protein product. Loss-of-function variants in RB1 are known to be pathogenic (PMID: 17096365). This variant is not present in population databases (gnomAD no frequency). This variant has not been reported in the literature in individuals affected with RB1-related conditions. For these reasons, this variant has been classified as Pathogenic.

Literature cited by the submitters: PubMed 17096365.

NM_000321.3(RB1):c.488del (p.Ser163fs)

Gene: RB1 (RB transcriptional corepressor 1; plus strand). Cytogenetic location: 13q14.2.
Variant type: Deletion.
Coding change: c.488del on transcript NM_000321.3 (MANE Select); coding-DNA position 488, one base deleted (G; older notation c.488delG).
Protein change: p.Ser163fs; shifts the reading frame from serine 163.
Molecular consequence: frameshift variant.
Genome position (GRCh38, 1-based): chr13:48,345,187, G deleted. VCF-style (leftmost placement, unchanged base first): chr13-48345186-AG-A. GRCh37 (hg19) VCF-style: chr13-48919322-AG-A.
Other names: c.488del, p.Ser163fs (NM_001407165.1, NM_001407166.1); short protein forms S163fs.
Identifiers: ClinVar variation 3663735 (VCV003663735.2).